The following is an entry in ClinVar:

ClinVar aggregate classification (germline): Conflicting classifications of pathogenicity. Review status: criteria provided, conflicting classifications (1 of 4 stars). 5 submissions from 5 submitters: Uncertain significance (4); Likely benign (1). Last evaluated 2025-12-18.

Conditions:
Lymphangiomyomatosis (LAM). Also called: Lymphangioleiomyomatosis; Lymphangioleiomyomatosis, somatic. Identifiers: Orphanet 538, MedGen C0751674, MONDO:0011705, OMIM 606690.
Tuberous sclerosis 2 (TSC2). Identifiers: Orphanet 805, MedGen C1860707, MONDO:0013199, OMIM 613254.
Isolated focal cortical dysplasia type II (FCORD2). Also called: CORTICAL DYSPLASIA OF TAYLOR; Focal cortical dysplasia type II. Identifiers: Orphanet 268994, MedGen C1846385, MONDO:0011818, OMIM 607341, HP:0032051.
Hereditary cancer-predisposing syndrome. Also called: Hereditary neoplastic syndrome; Hereditary Cancer Syndrome; Tumor predisposition; Neoplastic Syndromes, Hereditary. Identifiers: Orphanet 140162, MedGen C0027672, MeSH D009386, MONDO:0015356.

gnomAD v4.1: 1 of 1,581,342 alleles (0.000063%); highest among the groups gnomAD compares: Non-Finnish European, 0.000086%; no homozygotes.

Submissions (5):

Myriad Genetics, Inc.
Classification: Likely benign for Tuberous sclerosis 2. Last evaluated: 2025-12-18. Review status: criteria provided, single submitter. Criteria: Myriad Autosomal Dominant, Autosomal Recessive and X-Linked Classification Criteria (2023). Collection method: clinical testing. Allele origin: unknown.
Comment: This variant is considered likely benign. Homozygosity has been confirmed in one or more individuals. As homozygosity for pathogenic variants in this gene is generally assumed to result in embryonic lethality, this variant is unlikely to be pathogenic.

Labcorp Genetics (formerly Invitae), Labcorp
Classification: Uncertain significance for Tuberous sclerosis 2. Last evaluated: 2024-12-18. Review status: criteria provided, single submitter. Criteria: Invitae Variant Classification Sherloc (09022015). Collection method: clinical testing. Allele origin: germline.
Comment: This sequence change replaces alanine, which is neutral and non-polar, with serine, which is neutral and polar, at codon 77 of the TSC2 protein (p.Ala77Ser). This variant is not present in population databases (gnomAD no frequency). This variant has not been reported in the literature in individuals affected with TSC2-related conditions. ClinVar contains an entry for this variant (Variation ID: 968409). Invitae Evidence Modeling of protein sequence and biophysical properties (such as structural, functional, and spatial information, amino acid conservation, physicochemical variation, residue mobility, and thermodynamic stability) indicates that this missense variant is not expected to disrupt TSC2 protein function with a negative predictive value of 95%. In summary, the available evidence is currently insufficient to determine the role of this variant in disease. Therefore, it has been classified as a Variant of Uncertain Significance.

Fulgent Genetics
Classification: Uncertain significance for Lymphangiomyomatosis; Isolated focal cortical dysplasia type II; Tuberous sclerosis 2. Last evaluated: 2022-05-01. Review status: criteria provided, single submitter. Criteria: ACMG Guidelines, 2015. Collection method: clinical testing. Allele origin: unknown.

Ambry Genetics
Classification: Uncertain significance for Hereditary cancer-predisposing syndrome. Last evaluated: 2021-12-22. Review status: criteria provided, single submitter. Criteria: Ambry Variant Classification Scheme 2023. Collection method: clinical testing. Allele origin: germline.
Comment: The p.A77S variant (also known as c.229G>T), located in coding exon 3 of the TSC2 gene, results from a G to T substitution at nucleotide position 229. The alanine at codon 77 is replaced by serine, an amino acid with similar properties. This amino acid position is highly conserved in available vertebrate species. In addition, the in silico prediction for this alteration is inconclusive. Since supporting evidence is limited at this time, the clinical significance of this alteration remains unclear.

Sema4
Classification: Uncertain significance for Hereditary cancer-predisposing syndrome. Last evaluated: 2021-12-13. Review status: criteria provided, single submitter. Criteria: Sema4 Curation Guidelines. Collection method: curation. Allele origin: germline.
Comment: The TSC2 c.229G>T (p.A77S) variant has not been reported in the literature to our knowledge. It was not observed in in the large and broad cohorts of the Genome Aggregation Database (PMID: 32461654). The variant has been reported in ClinVar (Variation ID: 968409). Functional studies have not been performed, and in silico predictions of the variant's effect on protein function are inconclusive. The evidence is insufficient to meet ACMG/AMP criteria for classifying the variant as benign or pathogenic. Thus, the clinical significance of this variant is currently uncertain.

NM_000548.5(TSC2):c.229G>T (p.Ala77Ser)

Gene: TSC2 (TSC complex subunit 2; plus strand). Cytogenetic location: 16p13.3.
Variant type: single nucleotide variant.
Coding change: c.229G>T on transcript NM_000548.5 (MANE Select); coding-DNA position 229, G replaced by T.
Protein change: p.Ala77Ser; replaces alanine 77 with serine.
Molecular consequence: missense variant. On other transcripts: intron variant (2).
Genome position (GRCh38, 1-based): chr16:2,053,345, G>T. VCF-style: chr16-2053345-G-T. GRCh37 (hg19) VCF-style: chr16-2103346-G-T.
Other names: c.229G>T, p.Ala77Ser (NM_001077183.3, NM_001114382.3, NM_001363528.2 and 3 more transcripts); c.82G>T, p.Ala28Ser (NM_001318829.2); c.262G>T, p.Ala88Ser (NM_001318832.2); c.226-951G>T (NM_001318827.2); c.-1-2851G>T (NM_001318831.2); short protein forms A77S, A88S, A28S.
Identifiers: ClinVar variation 968409 (VCV000968409.13), dbSNP rs777459404, ClinGen allele CA394305401.